The following is an entry in ClinVar:

NM_001370259.2(MEN1):c.209A>C (p.Asp70Ala)

Gene: MEN1 (menin 1; minus strand). Cytogenetic location: 11q13.1.
Variant type: single nucleotide variant.
Coding change: c.209A>C on transcript NM_001370259.2 (MANE Select); coding-DNA position 209, A replaced by C.
Protein change: p.Asp70Ala; replaces aspartic acid 70 with alanine.
Molecular consequence: missense variant.
Genome position (GRCh38, 1-based): chr11:64,809,901, T>G on the plus strand (A>C on the coding strand, the complement: MEN1 is on the minus strand). VCF-style: chr11-64809901-T-G. GRCh37 (hg19) VCF-style: chr11-64577373-T-G.
Other names: c.209A>C, p.Asp70Ala (NM_000244.4, NM_001370251.2, NM_001370260.2 and 20 more transcripts); short protein forms D70A.
Identifiers: ClinVar variation 1785850 (VCV001785850.2), dbSNP rs1220436193, ClinGen allele CA381187643.

ClinVar aggregate classification (germline): Uncertain significance (1 of 4 stars; one submission).

Conditions:
Hereditary cancer-predisposing syndrome. Also called: Neoplastic Syndromes, Hereditary; Tumor predisposition; Hereditary Cancer Syndrome; Hereditary neoplastic syndrome. Identifiers: Orphanet 140162, MedGen C0027672, MeSH D009386, MONDO:0015356.

Submission:

Ambry Genetics
Classification: Uncertain significance for Hereditary cancer-predisposing syndrome. Last evaluated: 2022-01-18. Review status: criteria provided, single submitter. Criteria: Ambry Variant Classification Scheme 2023. Collection method: clinical testing. Allele origin: germline.
Comment: The p.D70A variant (also known as c.209A>C), located in coding exon 1 of the MEN1 gene, results from an A to C substitution at nucleotide position 209. The aspartic acid at codon 70 is replaced by alanine, an amino acid with dissimilar properties. This amino acid position is conserved. In addition, the in silico prediction for this alteration is inconclusive. Since supporting evidence is limited at this time, the clinical significance of this alteration remains unclear.